The following is an entry in ClinVar:

ClinVar aggregate classification (germline): Pathogenic (1 of 4 stars; one submission).

Conditions:
Coffin-Siris syndrome 12. Identifiers: MedGen C5444111, MONDO:0025699, OMIM 619325.

Submission:

Women's Health and Genetics/Laboratory Corporation of America, LabCorp
Classification: Pathogenic for Coffin-Siris syndrome 12. Last evaluated: 2025-12-18. Review status: criteria provided, single submitter. Criteria: LabCorp Variant Classification Summary - May 2015. Collection method: clinical testing. Allele origin: germline.
Comment: Variant summary: BICRA c.1074delG (p.Leu359CysfsX8) results in a premature termination codon, predicted to cause a truncation of the encoded protein or absence of the protein due to nonsense mediated decay, which are commonly known mechanisms for disease. The variant was absent in 197568 control chromosomes. To our knowledge, no experimental evidence demonstrating an impact on protein function has been reported. No submitters have cited clinical-significance assessments for this variant to ClinVar. Based on the evidence outlined above, the variant was classified as pathogenic.

NM_001394372.1(BICRA):c.1074del (p.Leu359fs)

Gene: BICRA (BRD4 interacting chromatin remodeling complex associated protein; plus strand). Cytogenetic location: 19q13.33.
Variant type: Deletion.
Coding change: c.1074del on transcript NM_001394372.1 (MANE Select); coding-DNA position 1074, one base deleted (G; older notation c.1074delG).
Protein change: p.Leu359fs; shifts the reading frame from leucine 359.
Molecular consequence: frameshift variant.
Genome position (GRCh38, 1-based): chr19:47,680,244, G deleted. VCF-style (leftmost placement, unchanged base first): chr19-47680243-TG-T. GRCh37 (hg19) VCF-style: chr19-48183500-TG-T.
Other names: c.1074del, p.Leu359fs (NM_015711.3); c.1074delG (NM_015711.3); short protein forms L359fs.
Identifiers: ClinVar variation 4688214 (VCV004688214.1).
Genomic context (GRCh38, chr19:47,680,243, plus strand): 5'-CGGCGCCCAACGTGATCCTGCATCGCACACCCACGCCCATCCAGCCCAAGCCCGCGGGGG[TG>T]CTGCCGCCCAAGCTCTACCAGCTGACGCCCAAGCCGTTTGCGCCCGCGGGCGCCACGCTC-3'